The following is an entry in ClinVar:

ClinVar aggregate classification (germline): Uncertain significance (1 of 4 stars; one submission).

Conditions:
EGFR-related lung cancer (EGFR). Identifiers: MedGen CN130014.

Submission:

Labcorp Genetics (formerly Invitae), Labcorp
Classification: Uncertain significance for EGFR-related lung cancer. Last evaluated: 2025-07-02. Review status: criteria provided, single submitter. Criteria: Invitae Variant Classification Sherloc (09022015). Collection method: clinical testing. Allele origin: germline.
Comment: This sequence change replaces serine, which is neutral and polar, with threonine, which is neutral and polar, at codon 498 of the EGFR protein (p.Ser498Thr). This variant is not present in population databases (gnomAD no frequency). This variant has not been reported in the literature in individuals affected with EGFR-related conditions. Invitae Evidence Modeling of protein sequence and biophysical properties (such as structural, functional, and spatial information, amino acid conservation, physicochemical variation, residue mobility, and thermodynamic stability) indicates that this missense variant is not expected to disrupt EGFR protein function with a negative predictive value of 80%. In summary, the available evidence is currently insufficient to determine the role of this variant in disease. Therefore, it has been classified as a Variant of Uncertain Significance.

NM_005228.5(EGFR):c.1493G>C (p.Ser498Thr)

Gene: EGFR (epidermal growth factor receptor; plus strand). Cytogenetic location: 7p11.2.
Variant type: single nucleotide variant.
Coding change: c.1493G>C on transcript NM_005228.5 (MANE Select); coding-DNA position 1493, G replaced by C.
Protein change: p.Ser498Thr; replaces serine 498 with threonine.
Molecular consequence: missense variant.
Genome position (GRCh38, 1-based): chr7:55,160,333, G>C. VCF-style: chr7-55160333-G-C. GRCh37 (hg19) VCF-style: chr7-55228026-G-C.
Other names: c.1358G>C, p.Ser453Thr (NM_001346897.2, NM_001346899.2); c.1493G>C, p.Ser498Thr (NM_001346898.2, NM_201282.2, NM_201284.2); c.1334G>C, p.Ser445Thr (NM_001346900.2); c.692G>C, p.Ser231Thr (NM_001346941.2); short protein forms S231T, S445T, S453T, S498T.
Identifiers: ClinVar variation 4805261 (VCV004805261.1).
Genomic context (GRCh38, chr7:55,160,333, plus strand): 5'-AAAAACTGTTTGGGACCTCCGGTCAGAAAACCAAAATTATAAGCAACAGAGGTGAAAACA[G>C]CTGCAGTAAGTCACCGCTTTCTGTTTAGTTTATGGAGTTGGTTCTAATGGGTCCTTTATT-3'
Protein context (NP_005219.2, residues 488-508): TKIISNRGEN[Ser498Thr]CKATGQVCHA